The following is an entry in ClinVar:

ClinVar aggregate classification (germline): Uncertain significance (1 of 4 stars; one submission).

Submission:

GeneDx
Classification: Uncertain significance. Last evaluated: 2025-01-10. Review status: criteria provided, single submitter. Criteria: GeneDx Variant Classification Process June 2021. Collection method: clinical testing. Allele origin: germline. Affected: yes.
Comment: Not observed at significant frequency in large population cohorts (gnomAD); In silico analysis indicates that this missense variant does not alter protein structure/function; Has not been previously published as pathogenic or benign to our knowledge

NM_001797.4(CDH11):c.1177C>G (p.Gln393Glu)

Gene: CDH11 (cadherin 11; minus strand). Cytogenetic location: 16q21.
Variant type: single nucleotide variant.
Coding change: c.1177C>G on transcript NM_001797.4 (MANE Select); coding-DNA position 1177, C replaced by G.
Protein change: p.Gln393Glu; replaces glutamine 393 with glutamic acid.
Molecular consequence: missense variant.
Genome position (GRCh38, 1-based): chr16:64,982,124, G>C on the plus strand (C>G on the coding strand, the complement: CDH11 is on the minus strand). VCF-style: chr16-64982124-G-C. GRCh37 (hg19) VCF-style: chr16-65016027-G-C.
Other names: c.1177C>G, p.Gln393Glu (NM_001308392.2); c.799C>G, p.Gln267Glu (NM_001330576.2); short protein forms Q267E, Q393E.
Identifiers: ClinVar variation 4056999 (VCV004056999.1).
Genomic context (GRCh38, chr16:64,982,124, plus strand): 5'-CAGCATCAGGGTCTTTGGCATGCACTCTCCCAACCACGGTGCCAGCAGCTGCATTTTCTT[G>C]GACTTCGTGGATGTAACTTGGGGCCAAGAACATAGGGGGCTCATCAGCATCTTCTACTGA-3'
Protein context (NP_001788.2, residues 383-403): FLAPSYIHEV[Gln393Glu]ENAAAGTVVG